The following is an entry in ClinVar:

NM_001673.5(ASNS):c.779del

Genes: ASNS (asparagine synthetase (glutamine-hydrolyzing); minus strand), CZ1P-ASNS (CZ1P-ASNS readthrough; minus strand). Cytogenetic location: 7q21.3.
Variant type: Deletion.
Coding change: c.779del on transcript NM_001673.5 (MANE Select); coding-DNA position 779, one base deleted (G; older notation c.779delG).
Molecular consequence: splice acceptor variant.
Genome position (GRCh38, 1-based): chr7:97,858,402, C deleted on the plus strand (G on the coding strand, the reverse complement: ASNS is on the minus strand); the first of 5 consecutive C bases (chr7:97,858,402-97,858,406); deleting any one gives the same sequence. VCF-style (leftmost placement, unchanged base first): chr7-97858401-GC-G. GRCh37 (hg19) VCF-style: chr7-97487713-GC-G.
Identifiers: ClinVar variation 5007251 (VCV005007251.2).

ClinVar aggregate classification (germline): Likely pathogenic (1 of 4 stars; one submission).

Conditions:
Congenital microcephaly - severe encephalopathy - progressive cerebral atrophy syndrome. Also called: Asparagine synthetase deficiency; ASNS DEFICIENCY. Identifiers: Orphanet 391376, MedGen C3809971, MONDO:0014258, OMIM 615574.

Submission:

Juno Genomics, Hangzhou Juno Genomics, Inc
Classification: Likely pathogenic for Congenital microcephaly - severe encephalopathy - progressive cerebral atrophy syndrome. Review status: criteria provided, single submitter. Criteria: ACMG Guidelines, 2015. Collection method: clinical testing. Allele origin: germline.
Comment: Null variant in a gene where loss of function (LOF) is a known mechanism of disease.;Absent from controls (or at extremely low frequency if recessive) in Genome Aggregation Database.